The following is an entry in ClinVar:

NM_001017420.3(ESCO2):c.1172C>G (p.Ser391Cys)

Gene: ESCO2 (establishment of sister chromatid cohesion N-acetyltransferase 2; plus strand). Cytogenetic location: 8p21.1.
Variant type: single nucleotide variant.
Coding change: c.1172C>G on transcript NM_001017420.3 (MANE Select); coding-DNA position 1172, C replaced by G.
Protein change: p.Ser391Cys; replaces serine 391 with cysteine.
Molecular consequence: missense variant.
Genome position (GRCh38, 1-based): chr8:27,788,887, C>G. VCF-style: chr8-27788887-C-G. GRCh37 (hg19) VCF-style: chr8-27646404-C-G.
Other names: short protein forms S391C.
Identifiers: ClinVar variation 1979438 (VCV001979438.4), dbSNP rs369056136, ClinGen allele CA4692244.

ClinVar aggregate classification (germline): Uncertain significance (1 of 4 stars; one submission).

Allele frequency attached by ClinVar (database versions not stated): ExAC 0.00001; gnomAD 0.00001; TOPMed 0.00001; ESP Exome Variant Server 0.00008.
gnomAD v4.1: 5 of 1,613,990 alleles (0.00031%); highest among the groups gnomAD compares: African/African-American, 0.0027%; no homozygotes.

Submission:

Labcorp Genetics (formerly Invitae), Labcorp
Classification: Uncertain significance. Last evaluated: 2022-03-10. Review status: criteria provided, single submitter. Criteria: Invitae Variant Classification Sherloc (09022015). Collection method: clinical testing. Allele origin: germline.
Comment: Algorithms developed to predict the effect of missense changes on protein structure and function are either unavailable or do not agree on the potential impact of this missense change (SIFT: "Deleterious"; PolyPhen-2: "Probably Damaging"; Align-GVGD: "Class C15"). In summary, the available evidence is currently insufficient to determine the role of this variant in disease. Therefore, it has been classified as a Variant of Uncertain Significance. This variant has not been reported in the literature in individuals affected with ESCO2-related conditions. This variant is present in population databases (rs369056136, gnomAD 0.002%). This sequence change replaces serine, which is neutral and polar, with cysteine, which is neutral and slightly polar, at codon 391 of the ESCO2 protein (p.Ser391Cys).